The following is an entry in ClinVar:

ClinVar aggregate classification (germline): Uncertain significance (1 of 4 stars; one submission).

Submission:

Labcorp Genetics (formerly Invitae), Labcorp
Classification: Uncertain significance. Last evaluated: 2023-11-27. Review status: criteria provided, single submitter. Criteria: Invitae Variant Classification Sherloc (09022015). Collection method: clinical testing. Allele origin: germline.
Comment: This sequence change replaces glutamine, which is neutral and polar, with histidine, which is basic and polar, at codon 310 of the ADAMTS13 protein (p.Gln310His). This variant is not present in population databases (gnomAD no frequency). This variant has not been reported in the literature in individuals affected with ADAMTS13-related conditions. ClinVar contains an entry for this variant (Variation ID: 1717321). Advanced modeling of protein sequence and biophysical properties (such as structural, functional, and spatial information, amino acid conservation, physicochemical variation, residue mobility, and thermodynamic stability) performed at Invitae indicates that this missense variant is expected to disrupt ADAMTS13 protein function with a positive predictive value of 80%. In summary, the available evidence is currently insufficient to determine the role of this variant in disease. Therefore, it has been classified as a Variant of Uncertain Significance.

NM_139027.6(ADAMTS13):c.930G>T (p.Gln310His)

Gene: ADAMTS13 (ADAM metallopeptidase with thrombospondin type 1 motif 13; plus strand). Cytogenetic location: 9q34.2.
Variant type: single nucleotide variant.
Coding change: c.930G>T on transcript NM_139027.6 (MANE Select); coding-DNA position 930, G replaced by T.
Protein change: p.Gln310His; replaces glutamine 310 with histidine.
Molecular consequence: missense variant.
Genome position (GRCh38, 1-based): chr9:133,430,044, G>T. VCF-style: chr9-133430044-G-T. GRCh37 (hg19) VCF-style: chr9-136295164-G-T.
Other names: c.930G>T, p.Gln310His (NM_139025.5); c.837G>T, p.Gln279His (NM_139026.6); short protein forms Q279H, Q310H.
Identifiers: ClinVar variation 1717321 (VCV001717321.5), dbSNP rs2491126231, ClinGen allele CA375387845.